The following is an entry in ClinVar:

NM_004991.4(MECOM):c.756C>A (p.Ser252Arg)

Gene: MECOM (MDS1 and EVI1 complex locus; minus strand). Cytogenetic location: 3q26.2.
Variant type: single nucleotide variant.
Coding change: c.756C>A on transcript NM_004991.4 (MANE Select); coding-DNA position 756, C replaced by A.
Protein change: p.Ser252Arg; replaces serine 252 with arginine.
Molecular consequence: missense variant.
Genome position (GRCh38, 1-based): chr3:169,127,918, G>T on the plus strand (C>A on the coding strand, the complement: MECOM is on the minus strand). VCF-style: chr3-169127918-G-T. GRCh37 (hg19) VCF-style: chr3-168845706-G-T.
Other names: c.192C>A, p.Ser64Arg (NM_001366474.2, NM_005241.4, NM_001105078.4 and 9 more transcripts); c.384C>A, p.Ser128Arg (NM_001105077.4); c.756C>A, p.Ser252Arg (NM_001366466.2, NM_001366473.2); short protein forms S252R, S64R, S128R.
Identifiers: ClinVar variation 4105723 (VCV004105723.1).
Genomic context (GRCh38, chr3:169,127,918, plus strand): 5'-AAAAACTTGGTCACATTCCTTACACTCCTGGATCGTGTGTATCTCTTGGAGATCATTCTC[G>T]CTTTCGAGTTTTTGCTGAAAGTCCTCTTCAACCATTGAAAATGCTGAGTGAGGAGTACTG-3'
Protein context (NP_004982.2, residues 242-262): VEEDFQQKLE[Ser252Arg]ENDLQEIHTI

ClinVar aggregate classification (germline): Uncertain significance (1 of 4 stars; one submission).

Conditions:
Inborn genetic diseases. Identifiers: MedGen C0950123, MeSH D030342.

gnomAD v4.1: 13 of 1,613,956 alleles (0.00081%); highest among the groups gnomAD compares: Non-Finnish European, 0.0011%; no homozygotes.

Submission:

Ambry Genetics
Classification: Uncertain significance for Inborn genetic diseases. Last evaluated: 2025-06-16. Review status: criteria provided, single submitter. Criteria: Ambry Variant Classification Scheme 2023. Collection method: clinical testing. Allele origin: germline.
Comment: The p.S252R variant (also known as c.756C>A), located in coding exon 5 of the MECOM gene, results from a C to A substitution at nucleotide position 756. The serine at codon 252 is replaced by arginine, an amino acid with dissimilar properties. This amino acid position is conserved. In addition, this alteration is predicted to be tolerated by in silico analysis. Based on the available evidence, the clinical significance of this variant remains unclear.